The following is an entry in ClinVar:

ClinVar aggregate classification (germline): Likely pathogenic (1 of 4 stars; one submission).

Conditions:
Familial hypokalemia-hypomagnesemia (GTLMNS). Also called: POTASSIUM AND MAGNESIUM DEPLETION; HYPOMAGNESEMIA-HYPOKALEMIA, PRIMARY RENOTUBULAR, WITH HYPOCALCIURIA; gitelman syndrome. Identifiers: Orphanet 358, MedGen C0268450, MONDO:0009904, OMIM 263800.

Submission:

Natera, Inc.
Classification: Likely pathogenic for Gitelman syndrome. Last evaluated: 2025-09-16. Review status: criteria provided, single submitter. Criteria: Natera Variant Classification Schema (03/2026). Collection method: clinical testing. Allele origin: germline.
Comment: The c.60_61delinsT variant in SLC12A3 is a frameshift variant predicted to shift the reading frame beginning at codon 21 and leads to a stop codon 6 codons downstream. This variant is expected to result in nonsense mediated decay, truncation, or a dysfunctional protein product. This variant is rare in the general population with a frequency below the threshold expected for the associated phenotype(s). Given the available evidence, this variant is classified as Likely Pathogenic.

NM_001126108.2(SLC12A3):c.60_61delinsT (p.Thr21fs)

Gene: SLC12A3 (solute carrier family 12 member 3; plus strand). Cytogenetic location: 16q13.
Variant type: Indel.
Coding change: c.60_61delinsT on transcript NM_001126108.2 (MANE Select); coding-DNA positions 60 to 61, CA replaced by T.
Protein change: p.Thr21fs; shifts the reading frame from threonine 21.
Molecular consequence: frameshift variant.
Genome position (GRCh38, 1-based): chr16:56,865,295-56,865,296, CA replaced by T. VCF-style: chr16-56865295-CA-T. GRCh37 (hg19) VCF-style: chr16-56899207-CA-T.
Other names: c.60_61delinsT, p.Thr21fs (NM_000339.3, NM_001126107.2, NM_001410896.1); short protein forms T21fs.
Identifiers: ClinVar variation 4818214 (VCV004818214.1).